The following is an entry in ClinVar:

ClinVar aggregate classification (germline): Benign/Likely benign. Review status: criteria provided, multiple submitters, no conflicts (2 of 4 stars). 4 submissions from 4 submitters: Benign (2); Likely benign (2). Last evaluated 2025-11-23.

Conditions:
46,XY sex reversal 6. Also called: 46,XY SEX REVERSAL, PARTIAL OR COMPLETE, MAP3K1-RELATED; 46,XY GONADAL DYSGENESIS, PARTIAL OR COMPLETE, MAP3K1-RELATED. Identifiers: MedGen C3151064, MONDO:0013410, OMIM 613762.

Allele frequency attached by ClinVar (database versions not stated): 1000 Genomes Project 30x 0.00047; 1000 Genomes Project 0.00060; TOPMed 0.00324; ESP Exome Variant Server 0.00330; gnomAD 0.00337 and 0.00351.
gnomAD v4.1: 7,501 of 1,611,796 alleles (0.47%); highest among the groups gnomAD compares: Non-Finnish European, 0.59%; 19 homozygotes.

Submissions (4):

Labcorp Genetics (formerly Invitae), Labcorp
Classification: Benign for 46,XY sex reversal 6. Last evaluated: 2025-11-23. Review status: criteria provided, single submitter. Criteria: Invitae Variant Classification Sherloc (09022015). Collection method: clinical testing. Allele origin: germline.

CeGaT Center for Human Genetics Tuebingen
Classification: Likely benign. Last evaluated: 2025-07-01. Review status: criteria provided, single submitter. Criteria: CeGaT Center For Human Genetics Tuebingen Variant Classification Criteria Version 2. Collection method: clinical testing. Allele origin: germline. Affected: yes. Observed: 3 variant alleles.
Comment: MAP3K1: BP4, BP7, BS2

Blueprint Genetics
Classification: Likely benign. Last evaluated: 2024-11-24. Review status: criteria provided, single submitter. Criteria: ACMG Guidelines, 2015. Collection method: clinical testing. Allele origin: germline.

Breakthrough Genomics
Classification: Benign. Review status: criteria provided, single submitter. Criteria: ACMG Guidelines, 2015. Collection method: not provided. Allele origin: germline. Inheritance: Autosomal dominant inheritance. Affected: yes.

NM_005921.2(MAP3K1):c.3588A>C (p.Ser1196=)

Genes: MAP3K1 (mitogen-activated protein kinase kinase kinase 1; plus strand), LOC126807392 (CDK7 strongly-dependent group 2 enhancer GRCh37_chr5:56178189-56179388; plus strand). Cytogenetic location: 5q11.2.
Variant type: single nucleotide variant.
Coding change: c.3588A>C on transcript NM_005921.2 (MANE Select); coding-DNA position 3588, A replaced by C.
Protein change: p.Ser1196=; no amino-acid change (serine 1196 retained).
Molecular consequence: synonymous variant.
Genome position (GRCh38, 1-based): chr5:56,882,788, A>C. VCF-style: chr5-56882788-A-C. GRCh37 (hg19) VCF-style: chr5-56178615-A-C.
Identifiers: ClinVar variation 707147 (VCV000707147.36), dbSNP rs55912465, ClinGen allele CA3273189.
Genomic context (GRCh38, chr5:56,882,788, plus strand): 5'-GTGCAAAGAGAAGATGGAAGCTGAAGAAGAAGAAGCTTTAGCAATTGCCATGGCAATGTC[A>C]GCGTCTCAGGATGCCCTCCCCATAGTTCCTCAGCTGCAGGTTGAAAATGGAGAAGATATC-3'
Protein context (NP_005912.1, residues 1186-1206): EEALAIAMAM[Ser1196=]ASQDALPIVP